The following is an entry in ClinVar:

NM_004706.4(ARHGEF1):c.2677C>T (p.Arg893Cys)

Gene: ARHGEF1 (Rho guanine nucleotide exchange factor 1; plus strand). Cytogenetic location: 19q13.2.
Variant type: single nucleotide variant.
Coding change: c.2677C>T on transcript NM_004706.4 (MANE Select); coding-DNA position 2677, C replaced by T.
Protein change: p.Arg893Cys; replaces arginine 893 with cysteine.
Molecular consequence: missense variant. On other transcripts: non-coding transcript variant (2).
Genome position (GRCh38, 1-based): chr19:41,906,724, C>T. VCF-style: chr19-41906724-C-T. GRCh37 (hg19) VCF-style: chr19-42410876-C-T.
Other names: c.2845C>T, p.Arg949Cys (NM_001396000.1); c.2414C>T, p.Pro805Leu (NM_001396002.1, NM_001396004.1); c.2513C>T, p.Pro838Leu (NM_001396003.1, NM_001396006.1); c.2578C>T, p.Arg860Cys (NM_198977.2); c.2722C>T, p.Arg908Cys (NM_199002.2); c.2722C>T (NM_199002.1); short protein forms P838L, R860C, R893C, R908C, R949C, P805L.
Identifiers: ClinVar variation 1908741 (VCV001908741.6), dbSNP rs782634165, ClinGen allele CA9466817.

ClinVar aggregate classification (germline): Uncertain significance. Review status: criteria provided, multiple submitters, no conflicts (2 of 4 stars). 2 submissions from 2 submitters: Uncertain significance (2). Last evaluated 2025-05-16.

Allele frequency attached by ClinVar (database versions not stated): TOPMed 0.00001; ExAC 0.00002; gnomAD 0.00002.
gnomAD v4.1: 12 of 1,609,712 alleles (0.00075%); highest among the groups gnomAD compares: Admixed American, 0.0017%; no homozygotes.

Submissions (2):

Ambry Genetics
Classification: Uncertain significance. Last evaluated: 2025-05-16. Review status: criteria provided, single submitter. Criteria: Ambry Variant Classification Scheme 2023. Collection method: clinical testing. Allele origin: germline.

Labcorp Genetics (formerly Invitae), Labcorp
Classification: Uncertain significance. Last evaluated: 2023-11-27. Review status: criteria provided, single submitter. Criteria: Invitae Variant Classification Sherloc (09022015). Collection method: clinical testing. Allele origin: germline.
Comment: This sequence change replaces arginine, which is basic and polar, with cysteine, which is neutral and slightly polar, at codon 908 of the ARHGEF1 protein (p.Arg908Cys). This variant is present in population databases (rs782634165, gnomAD 0.008%). This variant has not been reported in the literature in individuals affected with ARHGEF1-related conditions. ClinVar contains an entry for this variant (Variation ID: 1908741). An algorithm developed to predict the effect of missense changes on protein structure and function (PolyPhen-2) suggests that this variant is likely to be disruptive. In summary, the available evidence is currently insufficient to determine the role of this variant in disease. Therefore, it has been classified as a Variant of Uncertain Significance.